The following is an entry in ClinVar:

NM_000181.4(GUSB):c.724+1G>T

Gene: GUSB (glucuronidase beta; minus strand). Cytogenetic location: 7q11.21.
Variant type: single nucleotide variant.
Coding change: c.724+1G>T on transcript NM_000181.4 (MANE Select); the canonical splice donor site of the intron after coding-DNA position 724, G replaced by T.
Molecular consequence: splice donor variant. On other transcripts: intron variant (2).
Genome position (GRCh38, 1-based): chr7:65,979,398, C>A on the plus strand (G>T on the coding strand, the complement: GUSB is on the minus strand). VCF-style: chr7-65979398-C-A. GRCh37 (hg19) VCF-style: chr7-65444385-C-A.
Other names: c.724+1G>T (NM_000181.3); c.67+826G>T (NM_001293105.2); c.154+1G>T (NM_001293104.2); c.474+436G>T (NM_001284290.2).
Identifiers: ClinVar variation 2501051 (VCV002501051.6), dbSNP rs2116026958, ClinGen allele CA367649007.

ClinVar aggregate classification (germline): Pathogenic/Likely pathogenic. Review status: criteria provided, multiple submitters, no conflicts (2 of 4 stars). 4 submissions from 4 submitters: Pathogenic (1); Likely pathogenic (3). Last evaluated 2024-10-03.

Conditions:
Mucopolysaccharidosis type 7 (MPS7). Also called: MPS VII; BETA-GLUCURONIDASE DEFICIENCY; GUSB DEFICIENCY; SLY SYNDROME. Identifiers: Orphanet 584, MedGen C0085132, MONDO:0009662, OMIM 253220.

Submissions (4):

Victorian Clinical Genetics Services, Murdoch Childrens Research Institute
Classification: Pathogenic for Mucopolysaccharidosis type 7. Last evaluated: 2024-10-03. Review status: criteria provided, single submitter. Criteria: ACMG Guidelines, 2015. Collection method: clinical testing. Allele origin: germline.
Comment: This variant is classified as Pathogenic. Evidence in support of pathogenic classification: Canonical splice site variant without proven consequence on splicing (no functional evidence available); Variant is absent from gnomAD (v2, v3 and v4); This variant has limited previous evidence of pathogenicity in unrelated individuals. This variant has been classified as likely pathogenic in ClinVar by diagnostic laboratories; Abnormal splicing is predicted by in silico tool and affected nucleotide is highly conserved. Additional information: This variant is heterozygous; This gene is associated with autosomal recessive disease; No published segregation evidence has been identified for this variant; No published functional evidence has been identified for this variant; No comparable splice site variants have previous evidence for pathogenicity; Loss of function is a known mechanism of disease in this gene and is associated with mucopolysaccharidosis VII (MIM#253220).

Labcorp Genetics (formerly Invitae), Labcorp
Classification: Likely pathogenic for Mucopolysaccharidosis type 7. Last evaluated: 2024-01-22. Review status: criteria provided, single submitter. Criteria: Invitae Variant Classification Sherloc (09022015). Collection method: clinical testing. Allele origin: germline.
Comment: This sequence change affects a donor splice site in intron 4 of the GUSB gene. It is expected to disrupt RNA splicing. Variants that disrupt the donor or acceptor splice site typically lead to a loss of protein function (PMID: 16199547), and loss-of-function variants in GUSB are known to be pathogenic (PMID: 19224584). This variant is not present in population databases (gnomAD no frequency). This variant has not been reported in the literature in individuals affected with GUSB-related conditions. ClinVar contains an entry for this variant (Variation ID: 2501051). Algorithms developed to predict the effect of sequence changes on RNA splicing suggest that this variant may disrupt the consensus splice site. In summary, the currently available evidence indicates that the variant is pathogenic, but additional data are needed to prove that conclusively. Therefore, this variant has been classified as Likely Pathogenic.

Department of Pathology and Laboratory Medicine, Sinai Health System
Classification: Likely pathogenic for mucopolysaccharidosis type 7. Last evaluated: 2023-03-16. Review status: criteria provided, single submitter. Criteria: ACMG Guidelines, 2015. Collection method: research. Allele origin: germline.

Women's Health and Genetics/Laboratory Corporation of America, LabCorp
Classification: Likely pathogenic for Mucopolysaccharidosis type 7. Last evaluated: 2023-03-14. Review status: criteria provided, single submitter. Criteria: LabCorp Variant Classification Summary - May 2015. Collection method: clinical testing. Allele origin: germline.
Comment: Variant summary: GUSB c.724+1G>T is located in a canonical splice-site and is predicted to affect mRNA splicing resulting in a significantly altered protein due to either exon skipping, shortening, or inclusion of intronic material. Several computational tools predict a significant impact on normal splicing: Four predict the variant abolishes a canonical 5' splicing donor site. However, these predictions have yet to be confirmed by functional studies. The variant was absent in 251058 control chromosomes. To our knowledge, no occurrence of c.724+1G>T in individuals affected with Mucopolysaccharidosis Type VII (Sly Syndrome) and no experimental evidence demonstrating its impact on protein function have been reported. No submitters have provided clinical-significance assessments for this variant to ClinVar after 2014. Based on the evidence outlined above, the variant was classified as likely pathogenic.

Literature cited by the submitters: PubMed 16199547 (cited by Labcorp Genetics (formerly Invitae), Labcorp); PubMed 19224584 (cited by Labcorp Genetics (formerly Invitae), Labcorp).